The following is an entry in ClinVar:

ClinVar aggregate classification (germline): Uncertain significance. Review status: criteria provided, multiple submitters, no conflicts (2 of 4 stars). 2 submissions from 2 submitters: Uncertain significance (2). Last evaluated 2025-12-19.

Conditions:
Hereditary cancer-predisposing syndrome. Also called: Hereditary neoplastic syndrome; Neoplastic Syndromes, Hereditary; Hereditary Cancer Syndrome; Tumor predisposition. Identifiers: Orphanet 140162, MedGen C0027672, MeSH D009386, MONDO:0015356.
Familial cancer of breast. Also called: Hereditary breast cancer; BREAST CANCER, FAMILIAL; hereditary breast carcinoma. Identifiers: Orphanet 227535, MedGen C0346153, MONDO:0016419, OMIM 114480. Disease mechanism: loss of function.

Submissions (2):

Labcorp Genetics (formerly Invitae), Labcorp
Classification: Uncertain significance for Familial cancer of breast. Last evaluated: 2025-12-19. Review status: criteria provided, single submitter. Criteria: Invitae Variant Classification Sherloc (09022015). Collection method: clinical testing. Allele origin: germline.
Comment: This sequence change replaces leucine, which is neutral and non-polar, with proline, which is neutral and non-polar, at codon 970 of the PALB2 protein (p.Leu970Pro). This variant is not present in population databases (gnomAD no frequency). This variant has not been reported in the literature in individuals affected with PALB2-related conditions. ClinVar contains an entry for this variant (Variation ID: 1483868). Invitae Evidence Modeling of protein sequence and biophysical properties (such as structural, functional, and spatial information, amino acid conservation, physicochemical variation, residue mobility, and thermodynamic stability) indicates that this missense variant is expected to disrupt PALB2 protein function with a positive predictive value of 80%. In summary, the available evidence is currently insufficient to determine the role of this variant in disease. Therefore, it has been classified as a Variant of Uncertain Significance.

Ambry Genetics
Classification: Uncertain significance for Hereditary cancer-predisposing syndrome. Last evaluated: 2025-07-03. Review status: criteria provided, single submitter. Criteria: Ambry Variant Classification Scheme 2023. Collection method: clinical testing. Allele origin: germline.
Comment: The p.L970P variant (also known as c.2909T>C), located in coding exon 9 of the PALB2 gene, results from a T to C substitution at nucleotide position 2909. The leucine at codon 970 is replaced by proline, an amino acid with similar properties. This amino acid position is conserved. In addition, this alteration is predicted to be tolerated by in silico analysis. Since supporting evidence is limited at this time, the clinical significance of this alteration remains unclear.

NM_024675.4(PALB2):c.2909T>C (p.Leu970Pro)

Gene: PALB2 (partner and localizer of BRCA2; minus strand). Cytogenetic location: 16p12.2.
Variant type: single nucleotide variant.
Coding change: c.2909T>C on transcript NM_024675.4 (MANE Select); coding-DNA position 2909, T replaced by C.
Protein change: p.Leu970Pro; replaces leucine 970 with proline.
Molecular consequence: missense variant.
Genome position (GRCh38, 1-based): chr16:23,623,056, A>G on the plus strand (T>C on the coding strand, the complement: PALB2 is on the minus strand). VCF-style: chr16-23623056-A-G. GRCh37 (hg19) VCF-style: chr16-23634377-A-G.
Other names: short protein forms L970P.
Identifiers: ClinVar variation 1483868 (VCV001483868.10), dbSNP rs2142336251, ClinGen allele CA395144231.
Genomic context (GRCh38, chr16:23,623,056, plus strand): 5'-TCTACTTGTTGATCAGAAAGGGTCCCACTGCTACTAACTAGCCTCCTCTTTGTCAGGCCA[A>G]GCACAGCTTTTATATTTCCAGACTTCAGTAGTACTTGCTTTTCACTTTCATCATCAGAGG-3'
Protein context (NP_078951.2, residues 960-980): LLKSGNIKAV[Leu970Pro]GLTKRRLVSS